The following is an entry in ClinVar:

ClinVar aggregate classification (germline): Likely benign. Review status: reviewed by expert panel (3 of 4 stars). 8 submissions from 8 submitters: Likely benign (1). 7 of the submissions do not count toward it. Last evaluated 2017-06-29.

Conditions:
Hereditary cancer-predisposing syndrome. Also called: Neoplastic Syndromes, Hereditary; Hereditary neoplastic syndrome; Tumor predisposition; Hereditary Cancer Syndrome. Identifiers: Orphanet 140162, MedGen C0027672, MeSH D009386, MONDO:0015356.
Hereditary breast ovarian cancer syndrome. Also called: BRCA1- and BRCA2-Associated Hereditary Breast and Ovarian Cancer; Hereditary breast and ovarian cancer syndrome; Hereditary breast and ovarian cancer syndrome (HBOC); Hereditary breast and ovarian cancer; Breast and ovarian cancer; Hereditary breast and/or ovarian cancer syndrome. Identifiers: Orphanet 145, MedGen C0677776, MeSH D061325, MONDO:0003582. Disease mechanism: loss of function.
Breast-ovarian cancer, familial, susceptibility to, 2 (BROVCA2). Also called: BRCA2 Hereditary Breast and Ovarian Cancer. Identifiers: Orphanet 145, MedGen C2675520, MONDO:0012933, OMIM 612555. Disease mechanism: loss of function.

Allele frequency attached by ClinVar (database versions not stated): gnomAD 0.00001; gnomAD exomes 0.00001 and 0.00002; ExAC 0.00004; ESP Exome Variant Server 0.00008; TOPMed 0.00002.
gnomAD v4.1: 18 of 1,614,078 alleles (0.0011%); highest among the groups gnomAD compares: African/African-American, 0.0027%; no homozygotes.

Submissions (8):

Evidence-based Network for the Interpretation of Germline Mutant Alleles (ENIGMA)
Classification: Likely benign for Breast-ovarian cancer, familial, susceptibility to, 2. Last evaluated: 2017-06-29. Review status: reviewed by expert panel. Criteria: ENIGMA BRCA1/2 Classification Criteria (2017-06-29). Collection method: curation. Allele origin: germline.
Comment: Synonymous substitution variant, with low bioinformatic likelihood to result in a splicing aberration (Splicing prior probability 0.02).

Labcorp Genetics (formerly Invitae), Labcorp
Classification: Likely benign for Hereditary breast ovarian cancer syndrome. Last evaluated: 2026-01-08. Review status: criteria provided, single submitter. Criteria: Invitae Variant Classification Sherloc (09022015). Collection method: clinical testing. Allele origin: germline. Not counted in ClinVar's aggregate classification.

Quest Diagnostics Nichols Institute San Juan Capistrano
Classification: Likely benign. Last evaluated: 2022-09-23. Review status: criteria provided, single submitter. Criteria: Quest Diagnostics criteria. Collection method: clinical testing. Allele origin: unknown. Not counted in ClinVar's aggregate classification.

Sema4
Classification: Likely benign for Hereditary cancer-predisposing syndrome. Last evaluated: 2021-05-13. Review status: criteria provided, single submitter. Criteria: Sema4 Curation Guidelines. Collection method: curation. Allele origin: germline. Not counted in ClinVar's aggregate classification.

GeneDx
Classification: Likely benign. Last evaluated: 2021-04-07. Review status: criteria provided, single submitter. Criteria: GeneDx Variant Classification Process June 2021. Collection method: clinical testing. Allele origin: germline. Affected: yes. Not counted in ClinVar's aggregate classification.

Women's Health and Genetics/Laboratory Corporation of America, LabCorp
Classification: Likely benign. Last evaluated: 2019-08-21. Review status: criteria provided, single submitter. Criteria: LabCorp Variant Classification Summary - May 2015. Collection method: clinical testing. Allele origin: germline. Not counted in ClinVar's aggregate classification.

Color Diagnostics, LLC DBA Color Health
Classification: Likely benign for Hereditary cancer-predisposing syndrome. Last evaluated: 2017-08-23. Review status: criteria provided, single submitter. Criteria: ACMG Guidelines, 2015. Collection method: clinical testing. Allele origin: germline. Not counted in ClinVar's aggregate classification.

Ambry Genetics
Classification: Likely benign for Hereditary cancer-predisposing syndrome. Last evaluated: 2014-10-29. Review status: criteria provided, single submitter. Criteria: Ambry Variant Classification Scheme 2023. Collection method: clinical testing. Allele origin: germline. Not counted in ClinVar's aggregate classification.

Literature cited by the submitters: PubMed 32467295 (cited by Quest Diagnostics Nichols Institute San Juan Capistrano).

NM_000059.4(BRCA2):c.8091C>T (p.Ser2697=)

Gene: BRCA2 (BRCA2 DNA repair associated; plus strand). Cytogenetic location: 13q13.1.
Variant type: single nucleotide variant.
Coding change: c.8091C>T on transcript NM_000059.4 (MANE Select); coding-DNA position 8091, C replaced by T.
Protein change: p.Ser2697=; no amino-acid change (serine 2697 retained).
Molecular consequence: synonymous variant.
Genome position (GRCh38, 1-based): chr13:32,363,293, C>T. VCF-style: chr13-32363293-C-T. GRCh37 (hg19) VCF-style: chr13-32937430-C-T.
Identifiers: ClinVar variation 184499 (VCV000184499.27), dbSNP rs140782158, ClinGen allele CA025450.
Genomic context (GRCh38, chr13:32,363,293, plus strand): 5'-AAGGGATGACACAGCTGCAAAAACACTTGTTCTCTGTGTTTCTGACATAATTTCATTGAG[C>T]GCAAATATATCTGAAACTTCTAGCAATAAAACTAGTAGTGCAGATACCCAAAAAGTGGCC-3'
Protein context (NP_000050.3, residues 2687-2707): VLCVSDIISL[Ser2697=]ANISETSSNK